The following is an entry in ClinVar:

NM_004341.5(CAD):c.3887G>A (p.Cys1296Tyr)

Gene: CAD (carbamoyl-phosphate synthetase 2, aspartate transcarbamylase, and dihydroorotase; plus strand). Cytogenetic location: 2p23.3.
Variant type: single nucleotide variant.
Coding change: c.3887G>A on transcript NM_004341.5 (MANE Select); coding-DNA position 3887, G replaced by A.
Protein change: p.Cys1296Tyr; replaces cysteine 1296 with tyrosine.
Molecular consequence: missense variant.
Genome position (GRCh38, 1-based): chr2:27,235,345, G>A. VCF-style: chr2-27235345-G-A. GRCh37 (hg19) VCF-style: chr2-27458213-G-A.
Other names: c.3698G>A, p.Cys1233Tyr (NM_001306079.2); short protein forms C1296Y, C1233Y.
Identifiers: ClinVar variation 2003566 (VCV002003566.4), dbSNP rs2465337284, ClinGen allele CA346217155.

ClinVar aggregate classification (germline): Uncertain significance (1 of 4 stars; one submission).

Submission:

Labcorp Genetics (formerly Invitae), Labcorp
Classification: Uncertain significance. Last evaluated: 2023-11-27. Review status: criteria provided, single submitter. Criteria: Invitae Variant Classification Sherloc (09022015). Collection method: clinical testing. Allele origin: germline.
Comment: This sequence change replaces cysteine, which is neutral and slightly polar, with tyrosine, which is neutral and polar, at codon 1296 of the CAD protein (p.Cys1296Tyr). This variant is not present in population databases (gnomAD no frequency). This variant has not been reported in the literature in individuals affected with CAD-related conditions. ClinVar contains an entry for this variant (Variation ID: 2003566). Advanced modeling of protein sequence and biophysical properties (such as structural, functional, and spatial information, amino acid conservation, physicochemical variation, residue mobility, and thermodynamic stability) performed at Invitae indicates that this missense variant is not expected to disrupt CAD protein function with a negative predictive value of 80%. In summary, the available evidence is currently insufficient to determine the role of this variant in disease. Therefore, it has been classified as a Variant of Uncertain Significance.